The following is an entry in ClinVar:

ClinVar aggregate classification (germline): Conflicting classifications of pathogenicity. Review status: criteria provided, conflicting classifications (1 of 4 stars). 2 submissions from 2 submitters: Uncertain significance (1); Likely benign (1). Last evaluated 2024-08-08.

Conditions:
Tumor predisposition syndrome 3 (TPDS3). Also called: Melanoma, cutaneous malignant, susceptibility to, 10; Glioma susceptibility 9; LONG TELOMERE SYNDROME, POT1-RELATED; POT1 Tumor Predisposition. Identifiers: Orphanet 618, MedGen C4014476, MONDO:0014368, OMIM 615848.
Hereditary cancer-predisposing syndrome. Also called: Hereditary Cancer Syndrome; Hereditary neoplastic syndrome; Neoplastic Syndromes, Hereditary; Tumor predisposition. Identifiers: Orphanet 140162, MedGen C0027672, MeSH D009386, MONDO:0015356.

Submissions (2):

Labcorp Genetics (formerly Invitae), Labcorp
Classification: Uncertain significance for Tumor predisposition syndrome 3. Last evaluated: 2024-08-08. Review status: criteria provided, single submitter. Criteria: Invitae Variant Classification Sherloc (09022015). Collection method: clinical testing. Allele origin: germline.
Comment: This sequence change replaces arginine, which is basic and polar, with lysine, which is basic and polar, at codon 231 of the POT1 protein (p.Arg231Lys). This variant is not present in population databases (gnomAD no frequency). This variant has not been reported in the literature in individuals affected with POT1-related conditions. ClinVar contains an entry for this variant (Variation ID: 1756202). Advanced modeling of protein sequence and biophysical properties (such as structural, functional, and spatial information, amino acid conservation, physicochemical variation, residue mobility, and thermodynamic stability) performed at Invitae indicates that this missense variant is not expected to disrupt POT1 protein function with a negative predictive value of 80%. In summary, the available evidence is currently insufficient to determine the role of this variant in disease. Therefore, it has been classified as a Variant of Uncertain Significance.

Ambry Genetics
Classification: Likely benign for Hereditary cancer-predisposing syndrome. Last evaluated: 2022-05-17. Review status: criteria provided, single submitter. Criteria: Ambry Variant Classification Scheme 2023. Collection method: clinical testing. Allele origin: germline.

NM_015450.3(POT1):c.692G>A (p.Arg231Lys)

Gene: POT1 (protection of telomeres 1; minus strand). Cytogenetic location: 7q31.33.
Variant type: single nucleotide variant.
Coding change: c.692G>A on transcript NM_015450.3 (MANE Select); coding-DNA position 692, G replaced by A.
Protein change: p.Arg231Lys; replaces arginine 231 with lysine.
Molecular consequence: missense variant. On other transcripts: non-coding transcript variant (3).
Genome position (GRCh38, 1-based): chr7:124,858,967, C>T on the plus strand (G>A on the coding strand, the complement: POT1 is on the minus strand). VCF-style: chr7-124858967-C-T. GRCh37 (hg19) VCF-style: chr7-124499021-C-T.
Other names: c.299G>A, p.Arg100Lys (NM_001042594.2); short protein forms R100K, R231K.
Identifiers: ClinVar variation 1756202 (VCV001756202.5), dbSNP rs2116525148, ClinGen allele CA369056013.